The following is an entry in ClinVar:

NM_000070.3(CAPN3):c.998G>A (p.Gly333Asp)

Gene: CAPN3 (calpain 3; plus strand). Cytogenetic location: 15q15.1.
Variant type: single nucleotide variant.
Coding change: c.998G>A on transcript NM_000070.3 (MANE Select); coding-DNA position 998, G replaced by A.
Protein change: p.Gly333Asp; replaces glycine 333 with aspartic acid.
Molecular consequence: missense variant.
Genome position (GRCh38, 1-based): chr15:42,392,691, G>A. VCF-style: chr15-42392691-G-A. GRCh37 (hg19) VCF-style: chr15-42684889-G-A.
Other names: c.998G>A, p.Gly333Asp (NM_024344.2); c.854G>A, p.Gly285Asp (NM_173087.2); short protein forms G333D, G285D.
Identifiers: ClinVar variation 501051 (VCV000501051.16), dbSNP rs200580015, ClinGen allele CA7511209.

ClinVar aggregate classification (germline): Uncertain significance. Review status: criteria provided, multiple submitters, no conflicts (2 of 4 stars). 6 submissions from 6 submitters: Uncertain significance (4). 2 of the submissions do not count toward it. Last evaluated 2025-05-21.

Conditions:
Autosomal recessive limb-girdle muscular dystrophy type 2A (LGMDR1). Also called: LEYDEN-MOEBIUS MUSCULAR DYSTROPHY; MUSCULAR DYSTROPHY, PELVOFEMORAL; Limb-girdle muscular dystrophy, type 2A; Calpainopathy; Muscular dystrophy, limb-girdle, type 2A, Amish. Identifiers: Orphanet 267, MedGen C1869123, MONDO:0009675, OMIM 253600. Disease mechanism: loss of function.
Muscular dystrophy, limb-girdle, autosomal dominant 4. Also called: MUSCULAR DYSTROPHY, LIMB-GIRDLE, TYPE 1I; Calpain-3-related limb-girdle muscular dystrophy D4. Identifiers: Orphanet 565909, MedGen C4748295, MONDO:0029133, OMIM 618129.

Allele frequency attached by ClinVar (database versions not stated): gnomAD 0.00001 and 0.00003; gnomAD exomes 0.00001 and 0.00002; ExAC 0.00003; TOPMed 0.00003; 1000 Genomes Project 30x 0.00016; 1000 Genomes Project 0.00020.
gnomAD v4.1: 27 of 1,614,054 alleles (0.0017%); highest among the groups gnomAD compares: Middle Eastern, 0.017%; no homozygotes.

Submissions (6):

Labcorp Genetics (formerly Invitae), Labcorp
Classification: Uncertain significance for Autosomal recessive limb-girdle muscular dystrophy type 2A. Last evaluated: 2025-05-21. Review status: criteria provided, single submitter. Criteria: Invitae Variant Classification Sherloc (09022015). Collection method: clinical testing. Allele origin: germline.
Comment: This sequence change replaces glycine, which is neutral and non-polar, with aspartic acid, which is acidic and polar, at codon 333 of the CAPN3 protein (p.Gly333Asp). This variant is present in population databases (rs200580015, gnomAD 0.004%). This missense change has been observed in individual(s) with hyperCKemia and limb-girdle weakness (PMID: 17318636, 29149851, 32528171). ClinVar contains an entry for this variant (Variation ID: 501051). Invitae Evidence Modeling of protein sequence and biophysical properties (such as structural, functional, and spatial information, amino acid conservation, physicochemical variation, residue mobility, and thermodynamic stability) indicates that this missense variant is expected to disrupt CAPN3 protein function with a positive predictive value of 80%. In summary, the available evidence is currently insufficient to determine the role of this variant in disease. Therefore, it has been classified as a Variant of Uncertain Significance.

Women's Health and Genetics/Laboratory Corporation of America, LabCorp
Classification: Uncertain significance. Last evaluated: 2022-08-04. Review status: criteria provided, single submitter. Criteria: LabCorp Variant Classification Summary - May 2015. Collection method: clinical testing. Allele origin: germline.
Comment: Variant summary: CAPN3 c.998G>A (p.Gly333Asp) results in a non-conservative amino acid change located in the peptidase C2, calpain, catalytic domain (IPR001300) of the encoded protein sequence. Five of five in-silico tools predict a damaging effect of the variant on protein function. The variant allele was found at a frequency of 2e-05 in 251206 control chromosomes (gnomAD). The available data on variant occurrences in the general population are insufficient to allow any conclusion about variant significance. c.998G>A has been reported in the literature in at least two heterozygous individuals suspected of Limb-Girdle Muscular Dystrophy, without strong evidence for causality (e.g. Todorova_2007, Johnson_2017). Therefore, these reports do not provide unequivocal conclusions about association of the variant with autosomal recessive Limb-Girdle Muscular Dystrophy. To our knowledge, no experimental evidence demonstrating an impact on protein function has been reported. Four clinical diagnostic laboratories have submitted clinical-significance assessments for this variant to ClinVar after 2014 without evidence for independent evaluation. All laboratories classified the variant as uncertain significance. Based on the evidence outlined above, the variant was classified as uncertain significance.

Fulgent Genetics
Classification: Uncertain significance for Autosomal recessive limb-girdle muscular dystrophy type 2A; Muscular dystrophy, limb-girdle, autosomal dominant 4. Last evaluated: 2022-05-02. Review status: criteria provided, single submitter. Criteria: ACMG Guidelines, 2015. Collection method: clinical testing. Allele origin: unknown.

Eurofins Ntd Llc (ga)
Classification: Uncertain significance. Last evaluated: 2017-03-28. Review status: criteria provided, single submitter. Criteria: EGL Classification Definitions 2015. Collection method: clinical testing. Allele origin: germline. Observed: 1 variant allele, 1 heterozygote.

Natera, Inc.
Classification: Uncertain significance for Limb-girdle muscular dystrophy type 2A. Last evaluated: 2020-03-17. Review status: no assertion criteria provided. Collection method: clinical testing. Allele origin: germline. Not counted in ClinVar's aggregate classification.

Counsyl
Classification: Uncertain significance for Autosomal recessive limb-girdle muscular dystrophy type 2A. Last evaluated: 2017-05-22. Review status: no assertion criteria provided. Collection method: clinical testing. Allele origin: unknown. Not counted in ClinVar's aggregate classification.

Literature cited by the submitters: PubMed 17318636 (cited by 4 submitters); PubMed 29149851 (cited by Labcorp Genetics (formerly Invitae), Labcorp and Women's Health and Genetics/Laboratory Corporation of America, LabCorp); PubMed 32528171 (cited by Labcorp Genetics (formerly Invitae), Labcorp and Women's Health and Genetics/Laboratory Corporation of America, LabCorp).